The following is an entry in ClinVar:

ClinVar aggregate classification (germline): Likely benign (0 of 4 stars; one submission).

Conditions:
P2RX2-related disorder. Also called: P2RX2-related condition.

Allele frequency attached by ClinVar (database versions not stated): gnomAD exomes 0.00001; gnomAD 0.00003; TOPMed 0.00003.
gnomAD v4.1: 10 of 1,614,078 alleles (0.00062%); highest among the groups gnomAD compares: African/African-American, 0.011%; no homozygotes.

Submission:

PreventionGenetics, part of Exact Sciences
Classification: Likely benign for P2RX2-related condition. Last evaluated: 2019-02-21. Review status: no assertion criteria provided. Collection method: clinical testing. Allele origin: germline.
Comment: This variant is classified as likely benign based on ACMG/AMP sequence variant interpretation guidelines (Richards et al. 2015 PMID: 25741868, with internal and published modifications).

NM_170682.4(P2RX2):c.834G>A (p.Glu278=)

Gene: P2RX2 (purinergic receptor P2X 2; plus strand). Cytogenetic location: 12q24.33.
Variant type: single nucleotide variant.
Coding change: c.834G>A on transcript NM_170682.4 (MANE Select); coding-DNA position 834, G replaced by A.
Protein change: p.Glu278=; no amino-acid change (glutamic acid 278 retained).
Molecular consequence: synonymous variant.
Genome position (GRCh38, 1-based): chr12:132,621,060, G>A. VCF-style: chr12-132621060-G-A. GRCh37 (hg19) VCF-style: chr12-133197646-G-A.
Other names: c.732G>A, p.Glu244= (NM_001282164.2); c.834G>A, p.Glu278= (NM_001282165.2, NM_170683.4, NM_174873.3); c.618G>A, p.Glu206= (NM_012226.5); c.762G>A, p.Glu254= (NM_016318.4); c.558G>A, p.Glu186= (NM_174872.3).
Identifiers: ClinVar variation 3057925 (VCV003057925.2), dbSNP rs973591484, ClinGen allele CA246279793.